The following is an entry in ClinVar:

NM_001194998.2(CEP152):c.1577+97A>G

Gene: CEP152 (centrosomal protein 152; minus strand). Cytogenetic location: 15q21.1.
Variant type: single nucleotide variant.
Coding change: c.1577+97A>G on transcript NM_001194998.2 (MANE Select); 97 bases into the intron after coding-DNA position 1577, A replaced by G.
Molecular consequence: intron variant.
Genome position (GRCh38, 1-based): chr15:48,781,099, T>C on the plus strand (A>G on the coding strand, the complement: CEP152 is on the minus strand). VCF-style: chr15-48781099-T-C. GRCh37 (hg19) VCF-style: chr15-49073296-T-C.
Other names: c.1577+97A>G (NM_014985.4).
Identifiers: ClinVar variation 680093 (VCV000680093.2), dbSNP rs72739866, ClinGen allele CA14194985.

ClinVar aggregate classification (germline): Benign. Review status: criteria provided, multiple submitters, no conflicts (2 of 4 stars). 2 submissions from 2 submitters: Benign (2). Last evaluated 2018-06-16.

Allele frequency attached by ClinVar (database versions not stated): 1000 Genomes Project 30x 0.10212; 1000 Genomes Project 0.10244; TOPMed 0.16165; gnomAD 0.16417 and 0.16637; gnomAD exomes 0.20851.
gnomAD v4.1: 217,824 of 1,076,144 alleles (20%); highest among the groups gnomAD compares: Middle Eastern, 29%; 24,857 homozygotes.

Submissions (2):

GeneDx
Classification: Benign. Last evaluated: 2018-06-16. Review status: criteria provided, single submitter. Criteria: GeneDx Variant Classification (06012015). Collection method: clinical testing. Allele origin: germline. Affected: yes.
Comment: This variant is considered likely benign or benign based on one or more of the following criteria: it is a conservative change, it occurs at a poorly conserved position in the protein, it is predicted to be benign by multiple in silico algorithms, and/or has population frequency not consistent with disease.

Breakthrough Genomics
Classification: Benign. Review status: criteria provided, single submitter. Criteria: ACMG Guidelines, 2015. Collection method: not provided. Allele origin: germline. Inheritance: Autosomal recessive inheritance. Affected: yes.